The following is an entry in ClinVar:

NM_000219.6(KCNE1):c.302A>C (p.Glu101Ala)

Gene: KCNE1 (potassium voltage-gated channel subfamily E regulatory subunit 1; minus strand). Cytogenetic location: 21q22.12.
Variant type: single nucleotide variant.
Coding change: c.302A>C on transcript NM_000219.6 (MANE Select); coding-DNA position 302, A replaced by C.
Protein change: p.Glu101Ala; replaces glutamic acid 101 with alanine.
Molecular consequence: missense variant.
Genome position (GRCh38, 1-based): chr21:34,449,333, T>G on the plus strand (A>C on the coding strand, the complement: KCNE1 is on the minus strand). VCF-style: chr21-34449333-T-G. GRCh37 (hg19) VCF-style: chr21-35821631-T-G.
Other names: c.302A>C, p.Glu101Ala (NM_001127668.4, NM_001127669.4, NM_001127670.4 and 4 more transcripts); short protein forms E101A.
Identifiers: ClinVar variation 3374577 (VCV003374577.2).

Conditions:
Long QT syndrome 5 (LQT5). Identifiers: Orphanet 101016, Orphanet 768, MedGen C1867904, MONDO:0013372, OMIM 613695.

Submission:

Roden Lab, Vanderbilt University Medical Center
No classification provided (evidence only). Condition: Long QT syndrome 5. Review status: no classification provided. Collection method: in vitro. Allele origin: not applicable. Functional consequence: Effect on ion channel function.
ClinVar note: "not provided" was previously submitted as the classification for the variant. However, the classification appeared to be based only on an observation of functional data so it was converted to no classification on 2025-07-30.